The following is an entry in ClinVar:

ClinVar aggregate classification (germline): Uncertain significance (1 of 4 stars; one submission).

Conditions:
Charcot-Marie-Tooth disease type 4A. Also called: Charcot-Marie-Tooth disease, demyelinating, autosomal recessive, type 4a. Identifiers: Orphanet 99948, MedGen C1859198, MONDO:0008961, OMIM 214400.

gnomAD v4.1: 9 of 1,613,396 alleles (0.00056%); highest among the groups gnomAD compares: Non-Finnish European, 0.00076%; no homozygotes.

Submission:

Labcorp Genetics (formerly Invitae), Labcorp
Classification: Uncertain significance for Charcot-Marie-Tooth disease type 4A. Last evaluated: 2023-11-20. Review status: criteria provided, single submitter. Criteria: Invitae Variant Classification Sherloc (09022015). Collection method: clinical testing. Allele origin: germline.
Comment: This sequence change replaces alanine, which is neutral and non-polar, with glycine, which is neutral and non-polar, at codon 22 of the GDAP1 protein (p.Ala22Gly). This variant is not present in population databases (gnomAD no frequency). This variant has not been reported in the literature in individuals affected with GDAP1-related conditions. Advanced modeling of protein sequence and biophysical properties (such as structural, functional, and spatial information, amino acid conservation, physicochemical variation, residue mobility, and thermodynamic stability) performed at Invitae indicates that this missense variant is not expected to disrupt GDAP1 protein function with a negative predictive value of 95%. In summary, the available evidence is currently insufficient to determine the role of this variant in disease. Therefore, it has been classified as a Variant of Uncertain Significance.

NM_018972.4(GDAP1):c.65C>G (p.Ala22Gly)

Genes: GDAP1 (ganglioside induced differentiation associated protein 1; plus strand), LOC130000622 (ATAC-STARR-seq lymphoblastoid active region 27542; plus strand). Cytogenetic location: 8q21.11.
Variant type: single nucleotide variant.
Coding change: c.65C>G on transcript NM_018972.4 (MANE Select); coding-DNA position 65, C replaced by G.
Protein change: p.Ala22Gly; replaces alanine 22 with glycine.
Molecular consequence: missense variant. On other transcripts: 5 prime UTR variant (2), intron variant (1).
Genome position (GRCh38, 1-based): chr8:74,350,526, C>G. VCF-style: chr8-74350526-C-G. GRCh37 (hg19) VCF-style: chr8-75262761-C-G.
Other names: c.-118C>G (NM_001362929.2); c.65C>G, p.Ala22Gly (NM_001362930.2, NM_001362931.2); c.-70C>G (NM_001362932.2); c.-64+54C>G (NM_001040875.4); short protein forms A22G.
Identifiers: ClinVar variation 2793065 (VCV002793065.3), dbSNP rs148197760, ClinGen allele CA371499100.